The following is an entry in ClinVar:

NM_000038.6(APC):c.2437A>T (p.Asn813Tyr)

Gene: APC (APC regulator of Wnt signaling pathway; plus strand). Cytogenetic location: 5q22.2.
Variant type: single nucleotide variant.
Coding change: c.2437A>T on transcript NM_000038.6 (MANE Select); coding-DNA position 2437, A replaced by T.
Protein change: p.Asn813Tyr; replaces asparagine 813 with tyrosine.
Molecular consequence: missense variant. On other transcripts: non-coding transcript variant (2).
Genome position (GRCh38, 1-based): chr5:112,838,031, A>T. VCF-style: chr5-112838031-A-T. GRCh37 (hg19) VCF-style: chr5-112173728-A-T.
Other names: c.2437A>T, p.Asn813Tyr (NM_001127510.3, NM_001354895.2, NM_001407450.1); c.2383A>T, p.Asn795Tyr (NM_001127511.3); c.2491A>T, p.Asn831Tyr (NM_001354896.2, NM_001407447.1, NM_001407448.1 and 1 more transcripts); c.2467A>T, p.Asn823Tyr (NM_001354897.2); c.2362A>T, p.Asn788Tyr (NM_001354898.2); c.2353A>T, p.Asn785Tyr (NM_001354899.2); c.2314A>T, p.Asn772Tyr (NM_001354900.2); c.2260A>T, p.Asn754Tyr (NM_001354901.2, NM_001407453.1); and 11 more; short protein forms N429Y, N530Y, N653Y, N684Y, N687Y, N712Y, N722Y, N730Y.
Identifiers: ClinVar variation 3224545 (VCV003224545.1), dbSNP rs1580622204, ClinGen allele CA16026687.

ClinVar aggregate classification (germline): Uncertain significance (1 of 4 stars; one submission).

Conditions:
Hereditary cancer-predisposing syndrome. Also called: Tumor predisposition; Hereditary neoplastic syndrome; Hereditary Cancer Syndrome; Neoplastic Syndromes, Hereditary. Identifiers: Orphanet 140162, MedGen C0027672, MeSH D009386, MONDO:0015356.

Submission:

Ambry Genetics
Classification: Uncertain significance for Hereditary cancer-predisposing syndrome. Last evaluated: 2024-03-02. Review status: criteria provided, single submitter. Criteria: Ambry Variant Classification Scheme 2023. Collection method: clinical testing. Allele origin: germline.
Comment: The p.N813Y variant (also known as c.2437A>T), located in coding exon 15 of the APC gene, results from an A to T substitution at nucleotide position 2437. The asparagine at codon 813 is replaced by tyrosine, an amino acid with dissimilar properties. This amino acid position is conserved. In addition, in silico predictors for this gene do not accurately predict pathogenicity. Based on the available evidence, the clinical significance of this alteration remains unclear.